The following is an entry in ClinVar:

ClinVar aggregate classification (germline): Uncertain significance (1 of 4 stars; one submission).

Conditions:
Progressive familial heart block type IB (PFHB1B). Identifiers: Orphanet 871, MedGen C1970298, MONDO:0011474, OMIM 604559.

Submission:

Labcorp Genetics (formerly Invitae), Labcorp
Classification: Uncertain significance for Progressive familial heart block type IB. Last evaluated: 2024-02-23. Review status: criteria provided, single submitter. Criteria: Invitae Variant Classification Sherloc (09022015). Collection method: clinical testing. Allele origin: germline.
Comment: This sequence change affects codon 1021 of the TRPM4 mRNA. It is a 'silent' change, meaning that it does not change the encoded amino acid sequence of the TRPM4 protein. Information on the frequency of this variant in the gnomAD database is not available, as this variant may be reported differently in the database. This variant has not been reported in the literature in individuals affected with TRPM4-related conditions. Experimental studies and prediction algorithms are not available or were not evaluated, and the effect of this variant on mRNA splicing is currently unknown. In summary, the available evidence is currently insufficient to determine the role of this variant in disease. Therefore, it has been classified as a Variant of Uncertain Significance.

NM_017636.4(TRPM4):c.3063_3064delinsAT (p.Val1021_Leu1022=)

Gene: TRPM4 (transient receptor potential cation channel subfamily M member 4; plus strand). Cytogenetic location: 19q13.33.
Variant type: Indel.
Coding change: c.3063_3064delinsAT on transcript NM_017636.4 (MANE Select); coding-DNA positions 3063 to 3064, GC replaced by AT.
Protein change: p.Val1021_Leu1022=.
Molecular consequence: synonymous variant.
Genome position (GRCh38, 1-based): chr19:49,202,073-49,202,074, GC replaced by AT. VCF-style: chr19-49202073-GC-AT. GRCh37 (hg19) VCF-style: chr19-49705330-GC-AT.
Other names: c.2628_2629delinsAT, p.Val876_Leu877= (NM_001195227.2); c.2718_2719delinsAT, p.Val906_Leu907= (NM_001321281.2); c.1455_1456delinsAT, p.Val485_Leu486= (NM_001321282.2); c.2541_2542delinsAT, p.Val847_Leu848= (NM_001321283.2); c.2001_2002delinsAT, p.Val667_Leu668= (NM_001321285.2).
Identifiers: ClinVar variation 3696971 (VCV003696971.2).